The following is an entry in ClinVar:

ClinVar aggregate classification (germline): Uncertain significance (1 of 4 stars; one submission).

Conditions:
MAST3-related disorder.

Submission:

PreventionGenetics, part of Exact Sciences
Classification: Uncertain significance for MAST3-related condition. Last evaluated: 2026-05-13. Review status: criteria provided, single submitter. Criteria: ACMG Guidelines, 2015. Collection method: clinical testing. Allele origin: germline.
Comment: The MAST3 c.2506G>C variant is predicted to result in the amino acid substitution p.Ala836Pro. To our knowledge, this variant has not been reported in the literature or in a large population database (gnomAD), indicating this variant is rare. De novo missense variants in MAST3 gene, primarily located in the highly conserved serine/threonine kinase (STK) domain (amino acids 364-640), have been reported in several individuals with developmental and epileptic encephalopathy (Spinelli et al. 2021. PubMed ID: 34185323; Shu et al. 2022. PubMed ID: 35095415). Although we suspect that this variant may be pathogenic, at this time, the clinical significance of this variant is uncertain due to the absence of conclusive functional and genetic evidence.

NM_001393504.1(MAST3):c.2593G>C (p.Ala865Pro)

Gene: MAST3 (microtubule associated serine/threonine kinase 3; plus strand). Cytogenetic location: 19p13.11.
Variant type: single nucleotide variant.
Coding change: c.2593G>C on transcript NM_001393504.1 (MANE Select); coding-DNA position 2593, G replaced by C.
Protein change: p.Ala865Pro; replaces alanine 865 with proline.
Molecular consequence: missense variant.
Genome position (GRCh38, 1-based): chr19:18,144,474, G>C. VCF-style: chr19-18144474-G-C. GRCh37 (hg19) VCF-style: chr19-18255284-G-C.
Other names: c.2617G>C, p.Ala873Pro (NM_001393501.1); c.2596G>C, p.Ala866Pro (NM_001393502.1); c.2593G>C, p.Ala865Pro (NM_001393503.1); c.2590G>C, p.Ala864Pro (NM_001393505.1); c.2545G>C, p.Ala849Pro (NM_001393506.1, NM_001393513.1); c.2572G>C, p.Ala858Pro (NM_001393507.1); c.2527G>C, p.Ala843Pro (NM_001393508.1, NM_001393516.1); c.2524G>C, p.Ala842Pro (NM_001393509.1, NM_001393510.1, NM_001393512.1 and 2 more transcripts); and 4 more; short protein forms A835P, A849P, A866P, A841P, A842P, A836P, A843P, A827P.
Identifiers: ClinVar variation 4996532 (VCV004996532.1).